The following is an entry in ClinVar:

NM_001134831.2(AHI1):c.284G>A (p.Arg95Lys)

Gene: AHI1 (Abelson helper integration site 1; minus strand). Cytogenetic location: 6q23.3.
Variant type: single nucleotide variant.
Coding change: c.284G>A on transcript NM_001134831.2 (MANE Select); coding-DNA position 284, G replaced by A.
Protein change: p.Arg95Lys; replaces arginine 95 with lysine.
Molecular consequence: missense variant.
Genome position (GRCh38, 1-based): chr6:135,466,279, C>T on the plus strand (G>A on the coding strand, the complement: AHI1 is on the minus strand). VCF-style: chr6-135466279-C-T. GRCh37 (hg19) VCF-style: chr6-135787417-C-T.
Other names: c.284G>A (NM_017651.4); c.284G>A, p.Arg95Lys (NM_001134830.2, NM_001134832.2, NM_001350503.2 and 2 more transcripts); short protein forms R95K.
Identifiers: ClinVar variation 1951134 (VCV001951134.4), dbSNP rs1359290584, ClinGen allele CA365752129.

ClinVar aggregate classification (germline): Uncertain significance. Review status: criteria provided, multiple submitters, no conflicts (2 of 4 stars). 3 submissions from 3 submitters: Uncertain significance (3). Last evaluated 2025-10-14.

Conditions:
Inborn genetic diseases. Identifiers: MedGen C0950123, MeSH D030342.
Joubert syndrome. Also called: CEREBELLOPARENCHYMAL DISORDER IV; JOUBERT-BOLTSHAUSER SYNDROME; Familial aplasia of the vermis. Identifiers: Orphanet 475, MedGen C5979921, MONDO:0018772.
Joubert syndrome 3 (JBTS3). Also called: AHI1-related Ciliopathy. Identifiers: Orphanet 220493, MedGen C1837713, MONDO:0012078, OMIM 608629.

Allele frequency attached by ClinVar (database versions not stated): gnomAD exomes below 0.00001; TOPMed below 0.00001; gnomAD 0.00001.
gnomAD v4.1: 2 of 1,613,788 alleles (0.00012%); highest among the groups gnomAD compares: Admixed American, 0.0033%; no homozygotes.

Submissions (3):

Ambry Genetics
Classification: Uncertain significance for Inborn genetic diseases. Last evaluated: 2025-10-14. Review status: criteria provided, single submitter. Criteria: Ambry Variant Classification Scheme 2023. Collection method: clinical testing. Allele origin: germline.

Fulgent Genetics
Classification: Uncertain significance for Joubert syndrome 3. Last evaluated: 2023-12-28. Review status: criteria provided, single submitter. Criteria: ACMG Guidelines, 2015. Collection method: clinical testing. Allele origin: germline.

Labcorp Genetics (formerly Invitae), Labcorp
Classification: Uncertain significance for Joubert syndrome. Last evaluated: 2022-07-25. Review status: criteria provided, single submitter. Criteria: Invitae Variant Classification Sherloc (09022015). Collection method: clinical testing. Allele origin: germline.
Comment: This sequence change replaces arginine, which is basic and polar, with lysine, which is basic and polar, at codon 95 of the AHI1 protein (p.Arg95Lys). This variant is present in population databases (no rsID available, gnomAD 0.003%). This variant has not been reported in the literature in individuals affected with AHI1-related conditions. Advanced modeling of protein sequence and biophysical properties (such as structural, functional, and spatial information, amino acid conservation, physicochemical variation, residue mobility, and thermodynamic stability) performed at Invitae indicates that this missense variant is not expected to disrupt AHI1 protein function. In summary, the available evidence is currently insufficient to determine the role of this variant in disease. Therefore, it has been classified as a Variant of Uncertain Significance.